The following is an entry in ClinVar:

NM_001041.4(SI):c.2422G>A (p.Ala808Thr)

Gene: SI (sucrase-isomaltase; minus strand). Cytogenetic location: 3q26.1.
Variant type: single nucleotide variant.
Coding change: c.2422G>A on transcript NM_001041.4 (MANE Select); coding-DNA position 2422, G replaced by A.
Protein change: p.Ala808Thr; replaces alanine 808 with threonine.
Molecular consequence: missense variant.
Genome position (GRCh38, 1-based): chr3:165,037,904, C>T on the plus strand (G>A on the coding strand, the complement: SI is on the minus strand). VCF-style: chr3-165037904-C-T. GRCh37 (hg19) VCF-style: chr3-164755692-C-T.
Other names: c.2422G>A (NM_001041.3); short protein forms A808T.
Identifiers: ClinVar variation 1506955 (VCV001506955.4), dbSNP rs1356341778, ClinGen allele CA355048187.

ClinVar aggregate classification (germline): Uncertain significance. Review status: criteria provided, multiple submitters, no conflicts (2 of 4 stars). 2 submissions from 2 submitters: Uncertain significance (2). Last evaluated 2025-08-12.

Conditions:
Inborn genetic diseases. Identifiers: MedGen C0950123, MeSH D030342.

Allele frequency attached by ClinVar (database versions not stated): gnomAD 0.00001.
gnomAD v4.1: 9 of 1,592,776 alleles (0.00057%); highest among the groups gnomAD compares: African/African-American, 0.0013%; no homozygotes.

Submissions (2):

Ambry Genetics
Classification: Uncertain significance for Inborn genetic diseases. Last evaluated: 2025-08-12. Review status: criteria provided, single submitter. Criteria: Ambry Variant Classification Scheme 2023. Collection method: clinical testing. Allele origin: germline.

Labcorp Genetics (formerly Invitae), Labcorp
Classification: Uncertain significance. Last evaluated: 2021-12-05. Review status: criteria provided, single submitter. Criteria: Invitae Variant Classification Sherloc (09022015). Collection method: clinical testing. Allele origin: germline.
Comment: This sequence change replaces alanine, which is neutral and non-polar, with threonine, which is neutral and polar, at codon 808 of the SI protein (p.Ala808Thr). This variant is present in population databases (no rsID available, gnomAD 0.0008%). This variant has not been reported in the literature in individuals affected with SI-related conditions. Advanced modeling of protein sequence and biophysical properties (such as structural, functional, and spatial information, amino acid conservation, physicochemical variation, residue mobility, and thermodynamic stability) performed at Invitae indicates that this missense variant is not expected to disrupt SI protein function. In summary, the available evidence is currently insufficient to determine the role of this variant in disease. Therefore, it has been classified as a Variant of Uncertain Significance.